The following is an entry in ClinVar:

ClinVar aggregate classification (germline): Uncertain significance. Review status: criteria provided, multiple submitters, no conflicts (2 of 4 stars). 2 submissions from 2 submitters: Uncertain significance (2). Last evaluated 2025-08-31.

Allele frequency attached by ClinVar (database versions not stated): gnomAD exomes below 0.00001; TOPMed below 0.00001; gnomAD 0.00001; ExAC 0.00002.
gnomAD v4.1: 8 of 1,613,866 alleles (0.0005%); highest among the groups gnomAD compares: Non-Finnish European, 0.00059%; no homozygotes.

Submissions (2):

Ambry Genetics
Classification: Uncertain significance. Last evaluated: 2025-08-31. Review status: criteria provided, single submitter. Criteria: Ambry Variant Classification Scheme 2023. Collection method: clinical testing. Allele origin: germline.

Labcorp Genetics (formerly Invitae), Labcorp
Classification: Uncertain significance. Last evaluated: 2024-11-05. Review status: criteria provided, single submitter. Criteria: Invitae Variant Classification Sherloc (09022015). Collection method: clinical testing. Allele origin: germline.
Comment: This sequence change replaces serine, which is neutral and polar, with asparagine, which is neutral and polar, at codon 1226 of the IGSF10 protein (p.Ser1226Asn). This variant is present in population databases (rs762484463, gnomAD 0.003%). This variant has not been reported in the literature in individuals affected with IGSF10-related conditions. ClinVar contains an entry for this variant (Variation ID: 2959338). An algorithm developed to predict the effect of missense changes on protein structure and function (PolyPhen-2) suggests that this variant is likely to be tolerated. In summary, the available evidence is currently insufficient to determine the role of this variant in disease. Therefore, it has been classified as a Variant of Uncertain Significance.

NM_178822.5(IGSF10):c.3677G>A (p.Ser1226Asn)

Gene: IGSF10 (immunoglobulin superfamily member 10; minus strand). Cytogenetic location: 3q25.1.
Variant type: single nucleotide variant.
Coding change: c.3677G>A on transcript NM_178822.5 (MANE Select); coding-DNA position 3677, G replaced by A.
Protein change: p.Ser1226Asn; replaces serine 1226 with asparagine.
Molecular consequence: missense variant.
Genome position (GRCh38, 1-based): chr3:151,446,304, C>T on the plus strand (G>A on the coding strand, the complement: IGSF10 is on the minus strand). VCF-style: chr3-151446304-C-T. GRCh37 (hg19) VCF-style: chr3-151164092-C-T.
Other names: c.3677G>A, p.Ser1226Asn (NM_001385062.1, NM_001385063.1, NM_001385060.1 and 1 more transcripts); c.3677G>A (NM_178822.4); short protein forms S1226N.
Identifiers: ClinVar variation 2959338 (VCV002959338.4), dbSNP rs762484463, ClinGen allele CA2670121.